The following is an entry in ClinVar:

ClinVar aggregate classification (germline): Uncertain significance. Review status: criteria provided, multiple submitters, no conflicts (2 of 4 stars). 2 submissions from 2 submitters: Uncertain significance (2). Last evaluated 2025-02-10.

Conditions:
Dyskeratosis congenita. Identifiers: Orphanet 1775, MedGen C0265965, MONDO:0015780.

Submissions (2):

Labcorp Genetics (formerly Invitae), Labcorp
Classification: Uncertain significance for Dyskeratosis congenita. Last evaluated: 2025-02-10. Review status: criteria provided, single submitter. Criteria: Invitae Variant Classification Sherloc (09022015). Collection method: clinical testing. Allele origin: germline.
Comment: This sequence change replaces tyrosine, which is neutral and polar, with cysteine, which is neutral and slightly polar, at codon 373 of the CTC1 protein (p.Tyr373Cys). This variant is not present in population databases (gnomAD no frequency). This variant has not been reported in the literature in individuals affected with CTC1-related conditions. ClinVar contains an entry for this variant (Variation ID: 1396670). Invitae Evidence Modeling of protein sequence and biophysical properties (such as structural, functional, and spatial information, amino acid conservation, physicochemical variation, residue mobility, and thermodynamic stability) indicates that this missense variant is expected to disrupt CTC1 protein function with a positive predictive value of 80%. In summary, the available evidence is currently insufficient to determine the role of this variant in disease. Therefore, it has been classified as a Variant of Uncertain Significance.

Blueprint Genetics
Classification: Uncertain significance. Last evaluated: 2024-07-22. Review status: criteria provided, single submitter. Criteria: ACMG Guidelines, 2015. Collection method: clinical testing. Allele origin: germline.

NM_025099.6(CTC1):c.1118A>G (p.Tyr373Cys)

Gene: CTC1 (CST telomere replication complex component 1; minus strand). Cytogenetic location: 17p13.1.
Variant type: single nucleotide variant.
Coding change: c.1118A>G on transcript NM_025099.6 (MANE Select); coding-DNA position 1118, A replaced by G.
Protein change: p.Tyr373Cys; replaces tyrosine 373 with cysteine.
Molecular consequence: missense variant. On other transcripts: non-coding transcript variant (1).
Genome position (GRCh38, 1-based): chr17:8,235,919, T>C on the plus strand (A>G on the coding strand, the complement: CTC1 is on the minus strand). VCF-style: chr17-8235919-T-C. GRCh37 (hg19) VCF-style: chr17-8139237-T-C.
Other names: short protein forms Y373C.
Identifiers: ClinVar variation 1396670 (VCV001396670.8), dbSNP rs2151522187, ClinGen allele CA397987146.